The following is an entry in ClinVar:

NM_001909.5(CTSD):c.833_835dup (p.Glu278_Val279insGlu)

Gene: CTSD (cathepsin D; minus strand). Cytogenetic location: 11p15.5.
Variant type: Duplication.
Coding change: c.833_835dup on transcript NM_001909.5 (MANE Select); coding-DNA positions 833 to 835, 3 bases duplicated (AGG; older notation c.833_835dupAGG).
Protein change: p.Glu278_Val279insGlu.
Molecular consequence: inframe insertion.
Genome position (GRCh38, 1-based): chr11:1,754,131-1,754,133, CCT duplicated on the plus strand (AGG on the coding strand, the reverse complement: CTSD is on the minus strand); duplicating any 3 consecutive bases within chr11:1,754,131-1,754,135 gives the same sequence; the c. name uses the placement nearest the transcript's 3' end. VCF-style (leftmost placement, unchanged base first): chr11-1754130-A-ACCT. GRCh37 (hg19) VCF-style: chr11-1775360-A-ACCT.
Identifiers: ClinVar variation 2079958 (VCV002079958.4), dbSNP rs2493817210, ClinGen allele CA2580082678.

ClinVar aggregate classification (germline): Uncertain significance (1 of 4 stars; one submission).

Conditions:
Neuronal ceroid lipofuscinosis. Also called: Neuronal Ceroid Lipofuscinoses. Identifiers: Orphanet 216, Orphanet 79263, MedGen C0027877, MONDO:0016295. Disease mechanism: loss of function.

Submission:

Labcorp Genetics (formerly Invitae), Labcorp
Classification: Uncertain significance for Neuronal ceroid lipofuscinosis. Last evaluated: 2023-08-10. Review status: criteria provided, single submitter. Criteria: Invitae Variant Classification Sherloc (09022015). Collection method: clinical testing. Allele origin: germline.
Comment: This variant has not been reported in the literature in individuals affected with CTSD-related conditions. This variant is not present in population databases (gnomAD no frequency). This variant, c.833_835dup, results in the insertion of 1 amino acid(s) of the CTSD protein (p.Glu278dup), but otherwise preserves the integrity of the reading frame. ClinVar contains an entry for this variant (Variation ID: 2079958). In summary, the available evidence is currently insufficient to determine the role of this variant in disease. Therefore, it has been classified as a Variant of Uncertain Significance.